The following is an entry in ClinVar:

ClinVar aggregate classification (germline): Uncertain significance (1 of 4 stars; one submission).

Conditions:
Familial thoracic aortic aneurysm and aortic dissection (TAAD). Also called: Thoracic aortic aneurysms and dissections. Identifiers: Orphanet 91387, MedGen C4707243, MONDO:0019625.

Submission:

All of Us Research Program, National Institutes of Health
Classification: Uncertain significance for Familial thoracic aortic aneurysm and aortic dissection. Last evaluated: 2024-07-10. Review status: criteria provided, single submitter. Criteria: ACMG Guidelines, 2015. Collection method: clinical testing. Allele origin: germline. Inheritance: Autosomal dominant inheritance. Observed: 1 variant allele, 1 heterozygote.
Comment: This missense variant replaces alanine with valine at codon 47 of the MYH11 protein. Computational prediction is inconclusive regarding the impact of this variant on protein structure and function (internally defined REVEL score threshold 0.5 < inconclusive < 0.7, PMID: 27666373). To our knowledge, functional studies have not been reported for this variant. This variant has not been reported in individuals affected with MYH11-related disorders in the literature. This variant has not been identified in the general population by the Genome Aggregation Database (gnomAD). The available evidence is insufficient to determine the role of this variant in disease conclusively. Therefore, this variant is classified as a Variant of Uncertain Significance.

This study involves interpretation of variants in research participants for the purpose of population health screening. Participant phenotype was not available at the time of variant classification. Additional details can be found in publication PMID: 35346344, PMCID: PMC8962531

NM_002474.3(MYH11):c.140C>T (p.Ala47Val)

Gene: MYH11 (myosin heavy chain 11; minus strand). Cytogenetic location: 16p13.11.
Variant type: single nucleotide variant.
Coding change: c.140C>T on transcript NM_002474.3 (MANE Select); coding-DNA position 140, C replaced by T.
Protein change: p.Ala47Val; replaces alanine 47 with valine.
Molecular consequence: missense variant.
Genome position (GRCh38, 1-based): chr16:15,838,113, G>A on the plus strand (C>T on the coding strand, the complement: MYH11 is on the minus strand). VCF-style: chr16-15838113-G-A. GRCh37 (hg19) VCF-style: chr16-15931970-G-A.
Other names: c.140C>T, p.Ala47Val (NM_001040113.2, NM_001040114.2, NM_022844.3); short protein forms A47V.
Identifiers: ClinVar variation 3387269 (VCV003387269.1).